The following is an entry in ClinVar:

ClinVar aggregate classification (germline): Uncertain significance. Review status: criteria provided, multiple submitters, no conflicts (2 of 4 stars). 3 submissions from 3 submitters: Uncertain significance (3). Last evaluated 2023-11-19.

Conditions:
Inborn genetic diseases. Identifiers: MedGen C0950123, MeSH D030342.
Developmental and epileptic encephalopathy 94 (DEE94). Also called: Epileptic encephalopathy, childhood-onset; CHD2-Related Neurodevelopmental Disorders. Identifiers: Orphanet 1942, Orphanet 2382, MedGen C3809278, MONDO:0014150, OMIM 615369.

Allele frequency attached by ClinVar (database versions not stated): ExAC 0.00001; gnomAD 0.00001; gnomAD exomes 0.00001; TOPMed 0.00001.
gnomAD v4.1: 9 of 1,614,004 alleles (0.00056%); highest among the groups gnomAD compares: Non-Finnish European, 0.00076%; no homozygotes.

Submissions (3):

Labcorp Genetics (formerly Invitae), Labcorp
Classification: Uncertain significance for Developmental and epileptic encephalopathy 94. Last evaluated: 2023-11-19. Review status: criteria provided, single submitter. Criteria: Invitae Variant Classification Sherloc (09022015). Collection method: clinical testing. Allele origin: germline.
Comment: This sequence change replaces histidine, which is basic and polar, with aspartic acid, which is acidic and polar, at codon 528 of the CHD2 protein (p.His528Asp). This variant is present in population databases (rs776364124, gnomAD 0.002%). This variant has not been reported in the literature in individuals affected with CHD2-related conditions. ClinVar contains an entry for this variant (Variation ID: 420570). Advanced modeling of protein sequence and biophysical properties (such as structural, functional, and spatial information, amino acid conservation, physicochemical variation, residue mobility, and thermodynamic stability) performed at Invitae indicates that this missense variant is not expected to disrupt CHD2 protein function with a negative predictive value of 95%. In summary, the available evidence is currently insufficient to determine the role of this variant in disease. Therefore, it has been classified as a Variant of Uncertain Significance.

Ambry Genetics
Classification: Uncertain significance for Inborn genetic diseases. Last evaluated: 2019-11-30. Review status: criteria provided, single submitter. Criteria: Ambry Variant Classification Scheme 2023. Collection method: clinical testing. Allele origin: germline.
Comment: The p.H528D variant (also known as c.1582C>G), located in coding exon 13 of the CHD2 gene, results from a C to G substitution at nucleotide position 1582. The histidine at codon 528 is replaced by aspartic acid, an amino acid with similar properties. This amino acid position is highly conserved in available vertebrate species. In addition, this alteration is predicted to be deleterious by in silico analysis. Since supporting evidence is limited at this time, the clinical significance of this alteration remains unclear.

GeneDx
Classification: Uncertain significance. Last evaluated: 2016-03-11. Review status: criteria provided, single submitter. Criteria: GeneDx Variant Classification (06012015). Collection method: clinical testing. Allele origin: germline. Affected: yes.
Comment: A variant of uncertain significance has been identified in the CHD2 gene. The H528D variant has not been published as a pathogenic variant, nor has it been reported as a benign variant to our knowledge. It was not observed in approximately 6,500 individuals of European and African American ancestry in the NHLBI Exome Sequencing Project, indicating it is not a common benign variant in these populations. The H528D variant is a non-conservative amino acid substitution, which is likely to impact secondary protein structure as these residues differ in polarity, charge, size, and/or other properties. Additionally, this substitution occurs at a position that is conserved across species. In silico analysis is inconsistent in its predictions as to whether or not the variant is damaging to the protein structure/function. Based on the currently available information, it is unclear whether this variant is a pathogenic variant or a rare benign variant.

NM_001271.4(CHD2):c.1582C>G (p.His528Asp)

Gene: CHD2 (chromodomain helicase DNA binding protein 2; plus strand). Cytogenetic location: 15q26.1.
Variant type: single nucleotide variant.
Coding change: c.1582C>G on transcript NM_001271.4 (MANE Select); coding-DNA position 1582, C replaced by G.
Protein change: p.His528Asp; replaces histidine 528 with aspartic acid.
Molecular consequence: missense variant.
Genome position (GRCh38, 1-based): chr15:92,953,436, C>G. VCF-style: chr15-92953436-C-G. GRCh37 (hg19) VCF-style: chr15-93496666-C-G.
Other names: short protein forms H528D.
Identifiers: ClinVar variation 420570 (VCV000420570.13), dbSNP rs776364124, ClinGen allele CA7747838.
Genomic context (GRCh38, chr15:92,953,436, plus strand): 5'-GCTGATGAAATGGGCCTAGGAAAGACCATCCAGACCATATCATTCCTCTCCTACCTGTTC[C>G]ACCAACACCAGCTGTATGGCCCCTTTCTTATAGTCGTCCCTTTATCCACCCTCACCTCAT-3'
Protein context (NP_001262.3, residues 518-538): QTISFLSYLF[His528Asp]QHQLYGPFLI